The following is an entry in ClinVar:

NM_152424.4(AMER1):c.3245A>G (p.His1082Arg)

Gene: AMER1 (APC membrane recruitment protein 1; minus strand). Cytogenetic location: Xq11.2.
Variant type: single nucleotide variant.
Coding change: c.3245A>G on transcript NM_152424.4 (MANE Select); coding-DNA position 3245, A replaced by G.
Protein change: p.His1082Arg; replaces histidine 1082 with arginine.
Molecular consequence: missense variant.
Genome position (GRCh38, 1-based): chrX:64,190,042, T>C on the plus strand (A>G on the coding strand, the complement: AMER1 is on the minus strand). VCF-style: chrX-64190042-T-C. GRCh37 (hg19) VCF-style: chrX-63409922-T-C.
Other names: short protein forms H1082R.
Identifiers: ClinVar variation 4691882 (VCV004691882.1).
Genomic context (GRCh38, chrX:64,190,042, plus strand): 5'-TAGTGAGTGGGCTGAGGCTGGGGGTGCTCAGGCCGGACCCTGGGCAGCTGAGGAATGCCA[T>C]GGGTGATGCCCACAGGCTTGGCCTGTGGTAGAGGGCTGGGGCTGAAGCCTCCAGAACTGG-3'
Protein context (NP_689637.3, residues 1072-1092): LPQAKPVGIT[His1082Arg]GIPQLPRVRP

ClinVar aggregate classification (germline): Uncertain significance (1 of 4 stars; one submission).

gnomAD v4.1: 6 of 1,204,980 alleles (0.0005%); highest among the groups gnomAD compares: South Asian, 0.0018%; no homozygotes.

Submission:

Labcorp Genetics (formerly Invitae), Labcorp
Classification: Uncertain significance. Last evaluated: 2025-02-07. Review status: criteria provided, single submitter. Criteria: Invitae Variant Classification Sherloc (09022015). Collection method: clinical testing. Allele origin: germline.
Comment: This sequence change replaces histidine, which is basic and polar, with arginine, which is basic and polar, at codon 1082 of the AMER1 protein (p.His1082Arg). This variant is present in population databases (no rsID available, gnomAD 0.01%). This missense change has been observed in individual(s) with congenital heart disease (PMID: 38306576). An algorithm developed to predict the effect of missense changes on protein structure and function outputs the following: PolyPhen-2: "Benign". The arginine amino acid residue is found in multiple mammalian species, which suggests that this missense change does not adversely affect protein function. In summary, the available evidence is currently insufficient to determine the role of this variant in disease. Therefore, it has been classified as a Variant of Uncertain Significance.

Literature cited by the submitters: PubMed 38306576.